The following is an entry in ClinVar:

ClinVar aggregate classification (germline): Uncertain significance. Review status: criteria provided, multiple submitters, no conflicts (2 of 4 stars). 2 submissions from 2 submitters: Uncertain significance (2). Last evaluated 2023-05-04.

Conditions:
Hereditary nonpolyposis colorectal neoplasms. Identifiers: MedGen C0009405, MeSH D003123.
Lynch syndrome. Identifiers: Orphanet 144, MedGen C4552100, MONDO:0005835. Disease mechanism: loss of function.

Submissions (2):

All of Us Research Program, National Institutes of Health
Classification: Uncertain significance for Lynch syndrome. Last evaluated: 2023-05-04. Review status: criteria provided, single submitter. Criteria: ACMG Guidelines, 2015. Collection method: clinical testing. Allele origin: germline. Inheritance: Autosomal dominant inheritance. Observed: 1 variant allele, 1 heterozygote.
Comment: This missense variant replaces serine with threonine at codon 405 of the MSH6 protein. Computational prediction suggests that this variant may not impact protein structure and function (internally defined REVEL score threshold <= 0.5, PMID: 27666373). To our knowledge, functional studies have not been reported for this variant. This variant has not been reported in individuals affected with MSH6-related disorders in the literature. This variant has not been identified in the general population by the Genome Aggregation Database (gnomAD). The available evidence is insufficient to determine the role of this variant in disease conclusively. Therefore, this variant is classified as a Variant of Uncertain Significance.

This study involves interpretation of variants in research participants for the purpose of population health screening. Participant phenotype was not available at the time of variant classification. Additional details can be found in publication PMID: 35346344, PMCID: PMC8962531

Labcorp Genetics (formerly Invitae), Labcorp
Classification: Uncertain significance for Hereditary nonpolyposis colorectal neoplasms. Last evaluated: 2022-07-04. Review status: criteria provided, single submitter. Criteria: Invitae Variant Classification Sherloc (09022015). Collection method: clinical testing. Allele origin: germline.
Comment: This sequence change replaces serine, which is neutral and polar, with threonine, which is neutral and polar, at codon 405 of the MSH6 protein (p.Ser405Thr). This variant is not present in population databases (gnomAD no frequency). This variant has not been reported in the literature in individuals affected with MSH6-related conditions. Advanced modeling of protein sequence and biophysical properties (such as structural, functional, and spatial information, amino acid conservation, physicochemical variation, residue mobility, and thermodynamic stability) performed at Invitae indicates that this missense variant is not expected to disrupt MSH6 protein function. In summary, the available evidence is currently insufficient to determine the role of this variant in disease. Therefore, it has been classified as a Variant of Uncertain Significance.

NM_000179.3(MSH6):c.1213T>A (p.Ser405Thr)

Gene: MSH6 (mutS homolog 6; plus strand). Cytogenetic location: 2p16.3.
Variant type: single nucleotide variant.
Coding change: c.1213T>A on transcript NM_000179.3 (MANE Select); coding-DNA position 1213, T replaced by A.
Protein change: p.Ser405Thr; replaces serine 405 with threonine.
Molecular consequence: missense variant.
Genome position (GRCh38, 1-based): chr2:47,799,196, T>A. VCF-style: chr2-47799196-T-A. GRCh37 (hg19) VCF-style: chr2-48026335-T-A.
Other names: c.823T>A, p.Ser275Thr (NM_001281492.2); c.307T>A, p.Ser103Thr (NM_001281493.2, NM_001281494.2, NM_001406811.1 and 6 more transcripts); c.1309T>A, p.Ser437Thr (NM_001406795.1, NM_001406802.1); c.1213T>A, p.Ser405Thr (NM_001406796.1, NM_001406798.1, NM_001406800.1 and 4 more transcripts); c.916T>A, p.Ser306Thr (NM_001406797.1, NM_001406801.1, NM_001406805.1 and 10 more transcripts); c.688T>A, p.Ser230Thr (NM_001406799.1, NM_001406806.1, NM_001406807.1); c.1135T>A, p.Ser379Thr (NM_001406804.1); c.1219T>A, p.Ser407Thr (NM_001406813.1); and 1 more; short protein forms S103T, S306T, S349T, S379T, S230T, S275T, S405T, S407T.
Identifiers: ClinVar variation 2013887 (VCV002013887.2), dbSNP rs2104328407, ClinGen allele CA346743513.